The following is an entry in ClinVar:

ClinVar aggregate classification (germline): Uncertain significance. Review status: criteria provided, multiple submitters, no conflicts (2 of 4 stars). 2 submissions from 2 submitters: Uncertain significance (2). Last evaluated 2024-06-04.

Conditions:
Hereditary cancer-predisposing syndrome. Also called: Tumor predisposition; Hereditary Cancer Syndrome; Neoplastic Syndromes, Hereditary; Hereditary neoplastic syndrome. Identifiers: Orphanet 140162, MedGen C0027672, MeSH D009386, MONDO:0015356.

Submissions (2):

Ambry Genetics
Classification: Uncertain significance for Hereditary cancer-predisposing syndrome. Last evaluated: 2024-06-04. Review status: criteria provided, single submitter. Criteria: Ambry Variant Classification Scheme 2023. Collection method: clinical testing. Allele origin: germline.
Comment: The c.2603_2605delATG variant (also known as p.D868del) is located in coding exon 19 of the MSH3 gene. This variant results from an in-frame ATG deletion at nucleotide positions 2603 to 2605. This results in the in-frame deletion of an aspartic acid at codon 868. This amino acid position is highly conserved in available vertebrate species. In addition, this alteration is predicted to be deleterious by in silico analysis (Choi Y et al. PLoS ONE. 2012; 7(10):e46688). Based on the available evidence, the clinical significance of this variant remains unclear.

Labcorp Genetics (formerly Invitae), Labcorp
Classification: Uncertain significance. Last evaluated: 2023-10-20. Review status: criteria provided, single submitter. Criteria: Invitae Variant Classification Sherloc (09022015). Collection method: clinical testing. Allele origin: germline.
Comment: This variant, c.2603_2605del, results in the deletion of 1 amino acid(s) of the MSH3 protein (p.Asp868del), but otherwise preserves the integrity of the reading frame. This variant is not present in population databases (gnomAD no frequency). This variant has not been reported in the literature in individuals affected with MSH3-related conditions. ClinVar contains an entry for this variant (Variation ID: 1793697). In summary, the available evidence is currently insufficient to determine the role of this variant in disease. Therefore, it has been classified as a Variant of Uncertain Significance.

NM_002439.5(MSH3):c.2603_2605del (p.Asp868del)

Gene: MSH3 (mutS homolog 3; plus strand). Cytogenetic location: 5q14.1.
Variant type: Deletion.
Coding change: c.2603_2605del on transcript NM_002439.5 (MANE Select); coding-DNA positions 2603 to 2605, 3 bases deleted (ATG; older notation c.2603_2605delATG).
Protein change: p.Asp868del; deletes aspartic acid 868.
Molecular consequence: inframe deletion.
Genome position (GRCh38, 1-based): chr5:80,792,792-80,792,794, ATG deleted; deleting any 3 consecutive bases within chr5:80,792,790-80,792,794 gives the same sequence; the c. name uses the placement nearest the transcript's 3' end. VCF-style (leftmost placement, unchanged base first): chr5-80792789-TTGA-T. GRCh37 (hg19) VCF-style: chr5-80088608-TTGA-T.
Other names: short protein forms D868del.
Identifiers: ClinVar variation 1793697 (VCV001793697.8), dbSNP rs1377905049, ClinGen allele CA814462453.